The following is an entry in ClinVar:

ClinVar aggregate classification (germline): Pathogenic. Review status: criteria provided, multiple submitters, no conflicts (2 of 4 stars). 9 submissions from 9 submitters: Pathogenic (8). 1 of the submissions does not count toward it. Last evaluated 2026-05-01.

Conditions:
TRDN-related disorder. Also called: TRDN-related condition.
Cardiovascular phenotype. Identifiers: MedGen CN230736.
Catecholaminergic polymorphic ventricular tachycardia 5 (CARDAR). Also called: CARDIAC ARRHYTHMIA SYNDROME, WITH OR WITHOUT SKELETAL MUSCLE WEAKNESS; Ventricular tachycardia, catecholaminergic polymorphic, 5, with or without muscle weakness. Identifiers: Orphanet 3286, MedGen C3809536, MONDO:0014191, OMIM 615441.
Catecholaminergic polymorphic ventricular tachycardia 1. Also called: VENTRICULAR TACHYCARDIA, CATECHOLAMINERGIC POLYMORPHIC, 1, WITH OR WITHOUT ATRIAL DYSFUNCTION AND/OR DILATED CARDIOMYOPATHY; RYR2-Related Catecholaminergic Polymorphic Ventricular Tachycardia; VENTRICULAR TACHYCARDIA, STRESS-INDUCED POLYMORPHIC 1. Identifiers: Orphanet 3286, MedGen C1631597, MONDO:0011484, OMIM 604772.

Submissions (9):

PreventionGenetics, part of Exact Sciences
Classification: Pathogenic for TRDN-related condition. Last evaluated: 2026-05-01. Review status: criteria provided, single submitter. Criteria: ACMG Guidelines, 2015. Collection method: clinical testing. Allele origin: germline.
Comment: The TRDN c.53_56delACAG variant is predicted to result in a frameshift and premature protein termination (p.Asp18Alafs*14). This variant has been reported in the homozygous and compound heterozygous states in individuals with catecholaminergic polymorphic ventricular tachycardia and long QT syndrome (Roux-Buisson et al. 2012. PubMed ID: 22422768; Altmann et al. 2015. PubMed ID: 25922419; Walsh et al. 2016. PubMed ID: 26768964). This variant is reported in 0.050% of alleles in individuals of African descent in gnomAD. Frameshift variants in TRDN are expected to be pathogenic. This variant is interpreted as pathogenic.

GeneDx
Classification: Pathogenic. Last evaluated: 2026-04-17. Review status: criteria provided, single submitter. Criteria: GeneDx Variant Classification Process June 2021. Collection method: clinical testing. Allele origin: germline.
Comment: Observed in homozygous state in patients with CPVT, LQTS, and cardiac arrest in the published literature and not observed in homozygous state in controls (PMID: 25922419, 22422768); Observed with a second variant on the opposite allele (in trans) in a patient with recurrent ventricular fibrillation in published literature (PMID: 26768964); Frameshift variant predicted to result in protein truncation or nonsense mediated decay in a gene for which loss of function is a known mechanism of disease; This variant is associated with the following publications: (PMID: 22422768, 25922419, 37163978, 26768964, 39889790, 31057083)

Labcorp Genetics (formerly Invitae), Labcorp
Classification: Pathogenic for Catecholaminergic polymorphic ventricular tachycardia 1. Last evaluated: 2026-02-01. Review status: criteria provided, single submitter. Criteria: Invitae Variant Classification Sherloc (09022015). Collection method: clinical testing. Allele origin: germline.
Comment: This sequence change creates a premature translational stop signal (p.Asp18Alafs*14) in the TRDN gene. It is expected to result in an absent or disrupted protein product. Loss-of-function variants in TRDN are known to be pathogenic (PMID: 22422768, 25922419, 26200674, 30649896). This variant is present in population databases (rs768049331, gnomAD 0.05%). This premature translational stop signal has been observed in individual(s) with catecholaminergic polymorphic ventricular tachycardia and long QT syndrome (PMID: 22422768, 25922419, 26768964). In at least one individual the data is consistent with being in trans (on the opposite chromosome) from a pathogenic variant. It has also been observed to segregate with disease in related individuals. This variant is also known as p.D18fs*13. ClinVar contains an entry for this variant (Variation ID: 66015). For these reasons, this variant has been classified as Pathogenic.

Ambry Genetics
Classification: Pathogenic for Cardiovascular phenotype. Last evaluated: 2025-12-16. Review status: criteria provided, single submitter. Criteria: Ambry Variant Classification Scheme 2023. Collection method: clinical testing. Allele origin: germline.
Comment: The c.53_56delACAG pathogenic mutation, located in coding exon 2 of the TRDN gene, results from a deletion of 4 nucleotides at nucleotide positions 53 to 56, causing a translational frameshift with a predicted alternate stop codon (p.D18Afs*14). This mutation was reported in the homozygous state in 2 unrelated individuals presenting with syncope and cardiac arrest as well as in trans with a nonsense variant in two siblings presenting with cardiac arrest (Roux-Buisson N et al. Hum. Mol. Genet., 2012 Jun;21:2759-67; Altmann HM et al. Circulation, 2015 Jun;131:2051-60; Walsh MA et al. Pacing Clin Electrophysiol, 2016 May;39:497-501). In addition to the clinical data presented in the literature, this alteration is expected to result in loss of function by premature protein truncation or nonsense-mediated mRNA decay. As such, this alteration is interpreted as a disease-causing mutation.

Blueprint Genetics
Classification: Pathogenic for TRDN-related disorders. Last evaluated: 2024-08-21. Review status: criteria provided, single submitter. Criteria: ACMG Guidelines, 2015. Collection method: clinical testing. Allele origin: germline. Affected: yes. Observed: 4 variant alleles.

Fulgent Genetics
Classification: Pathogenic for Catecholaminergic polymorphic ventricular tachycardia 5. Last evaluated: 2024-06-20. Review status: criteria provided, single submitter. Criteria: ACMG Guidelines, 2015. Collection method: clinical testing. Allele origin: germline.

Revvity Omics, Revvity
Classification: Pathogenic for Catecholaminergic polymorphic ventricular tachycardia 5. Last evaluated: 2023-02-23. Review status: criteria provided, single submitter. Criteria: ACMG Guidelines, 2015. Collection method: clinical testing. Allele origin: germline.

AiLife Diagnostics
Classification: Pathogenic. Last evaluated: 2022-02-28. Review status: criteria provided, single submitter. Criteria: ACMG Guidelines, 2015. Collection method: clinical testing. Allele origin: germline. Affected: yes. Observed: 2 variant alleles.

OMIM
Classification: Pathogenic for CARDIAC ARRHYTHMIA SYNDROME WITH OR WITHOUT SKELETAL MUSCLE WEAKNESS. Last evaluated: 2012-06-15. Review status: no assertion criteria provided. Collection method: literature only. Allele origin: germline. Not counted in ClinVar's aggregate classification.

Literature cited by the submitters: PubMed 22422768 (cited by 4 submitters); PubMed 25922419 (cited by 3 submitters); PubMed 26200674 (cited by Labcorp Genetics (formerly Invitae), Labcorp); PubMed 30649896 (cited by Labcorp Genetics (formerly Invitae), Labcorp); PubMed 26768964 (cited by 4 submitters); Altmann, H. M., Tester, D. J., Will, M. L., Middha, S., Evans, J. M., Eckloff, B. W., Ackerman, M. J. Homozygous/compound heterozygous triadin mutations associated with autosomal-recessive long-QT syndrome and pediatric sudden cardiac arrest: elucidation of the triadin knockout syndrome. Circulation 131: 2051-2060, 2015. (cited by OMIM).

NM_006073.4(TRDN):c.53_56del (p.Asp18fs)

Gene: TRDN (triadin; minus strand). Cytogenetic location: 6q22.31.
Variant type: Deletion.
Coding change: c.53_56del on transcript NM_006073.4 (MANE Select); coding-DNA positions 53 to 56, 4 bases deleted (ACAG; older notation c.53_56delACAG).
Protein change: p.Asp18fs; shifts the reading frame from aspartic acid 18.
Molecular consequence: frameshift variant.
Genome position (GRCh38, 1-based): chr6:123,571,099-123,571,102, CTGT deleted on the plus strand (ACAG on the coding strand, the reverse complement: TRDN is on the minus strand); deleting any 4 consecutive bases within chr6:123,571,099-123,571,104 gives the same sequence; the c. name uses the placement nearest the transcript's 3' end. VCF-style (leftmost placement, unchanged base first): chr6-123571098-GCTGT-G. GRCh37 (hg19) VCF-style: chr6-123892243-GCTGT-G.
Other names: c.53_56delACAG (NM_001256021.1); c.53_56del, p.Asp18fs (NM_001251987.2, NM_001256020.2, NM_001256021.2 and 1 more transcripts); c.53_56del (NM_006073.3, NM_001256020.1); short protein forms D18fs.
Identifiers: ClinVar variation 66015 (VCV000066015.30), dbSNP rs768049331, ClinGen allele CA3984487.
Genomic context (GRCh38, chr6:123,571,098, plus strand): 5'-GTCTTCTGTGACTGTCCTCTTCAGCACTTTTCCGGGGGATTTGGGCACAGATCCATTTTT[GCTGT>G]CTATCACAGTTGTGGTTGTAGATGCATTTCCTAATCAAACATTCAGAAAGGAAAATATAA-3'